The following is an entry in ClinVar:

NM_004304.5(ALK):c.1654A>G (p.Met552Val)

Gene: ALK (ALK receptor tyrosine kinase; minus strand). Cytogenetic location: 2p23.2.
Variant type: single nucleotide variant.
Coding change: c.1654A>G on transcript NM_004304.5 (MANE Select); coding-DNA position 1654, A replaced by G.
Protein change: p.Met552Val; replaces methionine 552 with valine.
Molecular consequence: missense variant.
Genome position (GRCh38, 1-based): chr2:29,297,051, T>C on the plus strand (A>G on the coding strand, the complement: ALK is on the minus strand). VCF-style: chr2-29297051-T-C. GRCh37 (hg19) VCF-style: chr2-29519917-T-C.
Other names: short protein forms M552V.
Identifiers: ClinVar variation 4271750 (VCV004271750.1).

ClinVar aggregate classification (germline): Uncertain significance (1 of 4 stars; one submission).

Conditions:
Hereditary cancer-predisposing syndrome. Also called: Hereditary Cancer Syndrome; Hereditary neoplastic syndrome; Neoplastic Syndromes, Hereditary; Tumor predisposition. Identifiers: Orphanet 140162, MedGen C0027672, MeSH D009386, MONDO:0015356.

gnomAD v4.1: 1 of 1,614,108 alleles (0.000062%); highest among the groups gnomAD compares: Non-Finnish European, 0.000085%; no homozygotes.

Submission:

Ambry Genetics
Classification: Uncertain significance for Hereditary cancer-predisposing syndrome. Last evaluated: 2025-06-26. Review status: criteria provided, single submitter. Criteria: Ambry Variant Classification Scheme 2023. Collection method: clinical testing. Allele origin: germline.
Comment: The p.M552V variant (also known as c.1654A>G), located in coding exon 9 of the ALK gene, results from an A to G substitution at nucleotide position 1654. The methionine at codon 552 is replaced by valine, an amino acid with highly similar properties. This amino acid position is conserved. In addition, this alteration is predicted to be tolerated by in silico analysis. Based on the available evidence, the clinical significance of this variant remains unclear.